The following is an entry in ClinVar:

NM_001614.5(ACTG1):c.687C>T (p.Thr229=)

Gene: ACTG1 (actin gamma 1; minus strand). Cytogenetic location: 17q25.3.
Variant type: single nucleotide variant.
Coding change: c.687C>T on transcript NM_001614.5 (MANE Select); coding-DNA position 687, C replaced by T.
Protein change: p.Thr229=; no amino-acid change (threonine 229 retained).
Molecular consequence: synonymous variant. On other transcripts: non-coding transcript variant (1).
Genome position (GRCh38, 1-based): chr17:81,511,303, G>A on the plus strand (C>T on the coding strand, the complement: ACTG1 is on the minus strand). VCF-style: chr17-81511303-G-A. GRCh37 (hg19) VCF-style: chr17-79478329-G-A.
Other names: c.687C>T, p.Thr229= (NM_001199954.3); c.687C>T (NM_001614.3).
Identifiers: ClinVar variation 1549915 (VCV001549915.10), dbSNP rs201036516, ClinGen allele CA8836021.

ClinVar aggregate classification (germline): Likely benign. Review status: criteria provided, single submitter (1 of 4 stars). 2 submissions from 2 submitters: Likely benign (1). 1 of the submissions does not count toward it. Last evaluated 2025-09-08.

Conditions:
ACTG1-related disorder. Also called: ACTG1-related disorders; ACTG1-related condition.
Autosomal dominant nonsyndromic hearing loss 20. Identifiers: Orphanet 90635, MedGen C1858172, MONDO:0011480, OMIM 604717.
Baraitser-winter syndrome 2. Identifiers: Orphanet 2995, MedGen C3281235, MONDO:0013812, OMIM 614583.

Allele frequency attached by ClinVar (database versions not stated): gnomAD exomes 0.00002; ExAC 0.00004; gnomAD 0.00011; TOPMed 0.00020; 1000 Genomes Project 30x 0.00031; 1000 Genomes Project 0.00040.
gnomAD v4.1: 59 of 1,613,754 alleles (0.0037%); highest among the groups gnomAD compares: Admixed American, 0.022%; no homozygotes.

Submissions (2):

Labcorp Genetics (formerly Invitae), Labcorp
Classification: Likely benign for Baraitser-winter syndrome 2; Autosomal dominant nonsyndromic hearing loss 20. Last evaluated: 2025-09-08. Review status: criteria provided, single submitter. Criteria: Invitae Variant Classification Sherloc (09022015). Collection method: clinical testing. Allele origin: germline.

PreventionGenetics, part of Exact Sciences
Classification: Likely benign for ACTG1-related condition. Last evaluated: 2020-02-19. Review status: no assertion criteria provided. Collection method: clinical testing. Allele origin: germline. Not counted in ClinVar's aggregate classification.
Comment: This variant is classified as likely benign based on ACMG/AMP sequence variant interpretation guidelines (Richards et al. 2015 PMID: 25741868, with internal and published modifications).